The following is an entry in ClinVar:

ClinVar aggregate classification (germline): Likely benign. Review status: criteria provided, single submitter (1 of 4 stars). 2 submissions from 2 submitters: Likely benign (1). 1 of the submissions does not count toward it. Last evaluated 2024-07-21.

Conditions:
Immunodeficiency-centromeric instability-facial anomalies syndrome 2 (ICF2). Identifiers: Orphanet 2268, MedGen C3279748, MONDO:0013553, OMIM 614069.
ZBTB24-related disorder. Also called: ZBTB24-related condition.

Allele frequency attached by ClinVar (database versions not stated): ExAC 0.00002; TOPMed 0.00001; gnomAD 0.00001; gnomAD exomes 0.00001 and 0.00002.
gnomAD v4.1: 34 of 1,614,068 alleles (0.0021%); highest among the groups gnomAD compares: Non-Finnish European, 0.0026%; no homozygotes.

Submissions (2):

Labcorp Genetics (formerly Invitae), Labcorp
Classification: Likely benign for Immunodeficiency-centromeric instability-facial anomalies syndrome 2. Last evaluated: 2024-07-21. Review status: criteria provided, single submitter. Criteria: Invitae Variant Classification Sherloc (09022015). Collection method: clinical testing. Allele origin: germline.

PreventionGenetics, part of Exact Sciences
Classification: Likely benign for ZBTB24-related condition. Last evaluated: 2023-03-26. Review status: no assertion criteria provided. Collection method: clinical testing. Allele origin: germline. Not counted in ClinVar's aggregate classification.
Comment: This variant is classified as likely benign based on ACMG/AMP sequence variant interpretation guidelines (Richards et al. 2015 PMID: 25741868, with internal and published modifications).

NM_014797.3(ZBTB24):c.2055C>T (p.His685=)

Genes: MICAL1 (microtubule associated monooxygenase, calponin and LIM domain containing 1; minus strand), ZBTB24 (zinc finger and BTB domain containing 24; minus strand). Cytogenetic location: 6q21.
Variant type: single nucleotide variant.
Coding change: c.2055C>T on transcript NM_014797.3 (MANE Select); coding-DNA position 2055, C replaced by T.
Protein change: p.His685=; no amino-acid change (histidine 685 retained).
Molecular consequence: synonymous variant. On other transcripts: 5 prime UTR variant (1).
Genome position (GRCh38, 1-based): chr6:109,465,890, G>A on the plus strand (C>T on the coding strand, the complement: ZBTB24 is on the minus strand). VCF-style: chr6-109465890-G-A. GRCh37 (hg19) VCF-style: chr6-109787093-G-A.
Other names: c.-213C>T (NM_001286613.2).
Identifiers: ClinVar variation 1542080 (VCV001542080.10), dbSNP rs765948250, ClinGen allele CA3953964.